The following is an entry in ClinVar:

ClinVar aggregate classification (germline): Pathogenic/Likely pathogenic. Review status: criteria provided, multiple submitters, no conflicts (2 of 4 stars). 2 submissions from 2 submitters: Pathogenic (1); Likely pathogenic (1). Last evaluated 2025-03-19.

Conditions:
Eichsfeld type congenital muscular dystrophy (CMYO3). Also called: Rigid spine muscular dystrophy 1; SELENON-related myopathy; Congenital myopathy 3 with rigid spine; MYOPATHY, SEPN1-RELATED. Identifiers: MedGen C0410180, MONDO:0100100, OMIM 602771.

Submissions (2):

Revvity Omics, Revvity
Classification: Likely pathogenic for Eichsfeld type congenital muscular dystrophy. Last evaluated: 2025-03-19. Review status: criteria provided, single submitter. Criteria: ACMG Guidelines, 2015. Collection method: clinical testing. Allele origin: germline.

3billion
Classification: Pathogenic for Eichsfeld type congenital muscular dystrophy. Last evaluated: 2025-01-20. Review status: criteria provided, single submitter. Criteria: ACMG Guidelines, 2015. Collection method: clinical testing. Allele origin: germline. Affected: yes.
Comment: The variant is observed at an extremely low frequency in the gnomAD v4.1.0 dataset (total allele frequency: <0.001%). Predicted Consequence/Location: Frameshift: predicted to result in a loss or disruption of normal protein function through nonsense-mediated decay (NMD) or protein truncation. Multiple pathogenic variants are reported downstream of the variant. Therefore, this variant is classified as Pathogenic according to the recommendation of ACMG/AMP guideline.

NM_206926.2(SELENON):c.1074_1075del (p.Glu360fs)

Gene: SELENON (selenoprotein N; plus strand). Cytogenetic location: 1p36.11.
Variant type: Deletion.
Coding change: c.1074_1075del on transcript NM_206926.2 (MANE Select); coding-DNA positions 1074 to 1075, 2 bases deleted (AG; older notation c.1074_1075delAG).
Protein change: p.Glu360fs; shifts the reading frame from glutamic acid 360.
Molecular consequence: frameshift variant.
Genome position (GRCh38, 1-based): chr1:25,811,774-25,811,775, AG deleted. VCF-style (leftmost placement, unchanged base first): chr1-25811773-CAG-C. GRCh37 (hg19) VCF-style: chr1-26138264-CAG-C.
Other names: c.1176_1177del, p.Glu394fs (NM_020451.3); short protein forms E360fs, E394fs.
Identifiers: ClinVar variation 4077494 (VCV004077494.2).